The following is an entry in ClinVar:

ClinVar aggregate classification (germline): Uncertain significance (1 of 4 stars; one submission).

Submission:

Women's Health and Genetics/Laboratory Corporation of America, LabCorp
Classification: Uncertain significance. Last evaluated: 2026-01-27. Review status: criteria provided, single submitter. Criteria: LabCorp Variant Classification Summary - May 2015. Collection method: clinical testing. Allele origin: germline.
Comment: Variant summary: ST3GAL5 c.317A>G (p.Lys106Arg) results in a conservative amino acid change in the encoded protein sequence. Algorithms developed to predict the effect of missense changes on protein structure and function are either unavailable or do not agree on the potential impact of this missense change. Several computational tools predict a significant impact on normal splicing: Two predict the variant weakens a canonical 5' donor site, one predicts the variant abolishes a canonical 5' splicing donor site, two predict the variant strengthens a cryptic 5' donor site, and 1 predicts the variant creates a cryptic 5' donor site. However, these predictions have yet to be confirmed by functional studies. The variant was absent in 251086 control chromosomes. The available data on variant occurrences in the general population are insufficient to allow any conclusion about variant significance. To our knowledge, no occurrence of c.317A>G in individuals affected with ST3GAL5-related conditions and no experimental evidence demonstrating its impact on protein function have been reported. No submitters have cited clinical-significance assessments for this variant to ClinVar. Based on the evidence outlined above, the variant was classified as uncertain significance.

NM_003896.4(ST3GAL5):c.317A>G (p.Lys106Arg)

Gene: ST3GAL5 (ST3 beta-galactoside alpha-2,3-sialyltransferase 5; minus strand). Cytogenetic location: 2p11.2.
Variant type: single nucleotide variant.
Coding change: c.317A>G on transcript NM_003896.4 (MANE Select); coding-DNA position 317, A replaced by G.
Protein change: p.Lys106Arg; replaces lysine 106 with arginine.
Molecular consequence: missense variant. On other transcripts: 5 prime UTR variant (5).
Genome position (GRCh38, 1-based): chr2:85,861,182, T>C on the plus strand (A>G on the coding strand, the complement: ST3GAL5 is on the minus strand). VCF-style: chr2-85861182-T-C. GRCh37 (hg19) VCF-style: chr2-86088305-T-C.
Other names: c.248A>G, p.Lys83Arg (NM_001042437.2); c.-245A>G (NM_001354223.2, NM_001354226.2); c.-308A>G (NM_001354224.2); c.233A>G, p.Lys78Arg (NM_001354227.2, NM_001354229.2, NM_001354238.1); c.-685A>G (NM_001354233.2); c.-649A>G (NM_001354234.1); c.317A>G, p.Lys106Arg (NM_001363847.1); short protein forms K106R, K78R, K83R.
Identifiers: ClinVar variation 4689505 (VCV004689505.1).